The following is an entry in ClinVar:

NM_012448.4(STAT5B):c.1552G>A (p.Glu518Lys)

Gene: STAT5B (signal transducer and activator of transcription 5B; minus strand). Cytogenetic location: 17q21.2.
Variant type: single nucleotide variant.
Coding change: c.1552G>A on transcript NM_012448.4 (MANE Select); coding-DNA position 1552, G replaced by A.
Protein change: p.Glu518Lys; replaces glutamic acid 518 with lysine.
Molecular consequence: missense variant.
Genome position (GRCh38, 1-based): chr17:42,212,112, C>T on the plus strand (G>A on the coding strand, the complement: STAT5B is on the minus strand). VCF-style: chr17-42212112-C-T. GRCh37 (hg19) VCF-style: chr17-40364130-C-T.
Other names: short protein forms E518K.
Identifiers: ClinVar variation 1394518 (VCV001394518.8), dbSNP rs2080134439, ClinGen allele CA399579283.

ClinVar aggregate classification (germline): Uncertain significance (1 of 4 stars; one submission).

Conditions:
Growth hormone insensitivity with immune dysregulation 1, autosomal recessive. Also called: Laron syndrome with immunodeficiency; GROWTH HORMONE INSENSITIVITY SYNDROME WITH IMMUNE DYSREGULATION 1, AUTOSOMAL RECESSIVE; GROWTH HORMONE INSENSITIVITY DUE TO POSTRECEPTOR DEFECT; LARON SYNDROME DUE TO POSTRECEPTOR DEFECT. Identifiers: Orphanet 220465, MedGen C5435698, MONDO:0100211, OMIM 245590.

Submission:

Labcorp Genetics (formerly Invitae), Labcorp
Classification: Uncertain significance for Growth hormone insensitivity with immune dysregulation 1, autosomal recessive. Last evaluated: 2021-05-10. Review status: criteria provided, single submitter. Criteria: Invitae Variant Classification Sherloc (09022015). Collection method: clinical testing. Allele origin: germline.
Comment: In summary, the available evidence is currently insufficient to determine the role of this variant in disease. Therefore, it has been classified as a Variant of Uncertain Significance. Algorithms developed to predict the effect of missense changes on protein structure and function are either unavailable or do not agree on the potential impact of this missense change (SIFT: "Deleterious"; PolyPhen-2: "Benign"; Align-GVGD: "Class C0"). This variant has not been reported in the literature in individuals with STAT5B-related conditions. This variant is not present in population databases (ExAC no frequency). This sequence change replaces glutamic acid with lysine at codon 518 of the STAT5B protein (p.Glu518Lys). The glutamic acid residue is highly conserved and there is a small physicochemical difference between glutamic acid and lysine.